The following is an entry in ClinVar:

ClinVar aggregate classification (germline): Uncertain significance (1 of 4 stars; one submission).

Conditions:
Cornelia de Lange syndrome 1 (CDLS1). Also called: TYPUS DEGENERATIVUS AMSTELODAMENSIS; Brachmann de Lange syndrome; NIPBL-Related Cornelia de Lange Syndrome. Identifiers: Orphanet 199, MedGen C4551851, MONDO:0007387, OMIM 122470.

Submission:

Labcorp Genetics (formerly Invitae), Labcorp
Classification: Uncertain significance for Cornelia de Lange syndrome 1. Last evaluated: 2022-08-09. Review status: criteria provided, single submitter. Criteria: Invitae Variant Classification Sherloc (09022015). Collection method: clinical testing. Allele origin: germline.
Comment: In summary, the available evidence is currently insufficient to determine the role of this variant in disease. Therefore, it has been classified as a Variant of Uncertain Significance. Advanced modeling of protein sequence and biophysical properties (such as structural, functional, and spatial information, amino acid conservation, physicochemical variation, residue mobility, and thermodynamic stability) performed at Invitae indicates that this missense variant is not expected to disrupt NIPBL protein function. This variant has not been reported in the literature in individuals affected with NIPBL-related conditions. This variant is not present in population databases (gnomAD no frequency). This sequence change replaces arginine, which is basic and polar, with serine, which is neutral and polar, at codon 692 of the NIPBL protein (p.Arg692Ser).

NM_133433.4(NIPBL):c.2076A>T (p.Arg692Ser)

Gene: NIPBL (NIPBL cohesin loading factor; plus strand). Cytogenetic location: 5p13.2.
Variant type: single nucleotide variant.
Coding change: c.2076A>T on transcript NM_133433.4 (MANE Select); coding-DNA position 2076, A replaced by T.
Protein change: p.Arg692Ser; replaces arginine 692 with serine.
Molecular consequence: missense variant.
Genome position (GRCh38, 1-based): chr5:36,985,256, A>T. VCF-style: chr5-36985256-A-T. GRCh37 (hg19) VCF-style: chr5-36985358-A-T.
Other names: c.2076A>T, p.Arg692Ser (NM_015384.5); short protein forms R692S.
Identifiers: ClinVar variation 1715859 (VCV001715859.5), dbSNP rs1191498766, ClinGen allele CA359497917.